The following is an entry in ClinVar:

ClinVar aggregate classification (germline): Uncertain significance. Review status: criteria provided, multiple submitters, no conflicts (2 of 4 stars). 2 submissions from 2 submitters: Uncertain significance (2). Last evaluated 2024-12-09.

Conditions:
SH2B3-related disorder. Also called: SH2B3-related condition.
Inborn genetic diseases. Identifiers: MedGen C0950123, MeSH D030342.

Allele frequency attached by ClinVar (database versions not stated): ESP Exome Variant Server 0.00008; TOPMed 0.00008; ExAC 0.00010; gnomAD 0.00013; 1000 Genomes Project 30x 0.00016.
gnomAD v4.1: 133 of 1,614,054 alleles (0.0082%); highest among the groups gnomAD compares: Non-Finnish European, 0.0096%; no homozygotes.

Submissions (2):

PreventionGenetics, part of Exact Sciences
Classification: Uncertain significance for SH2B3-related condition. Last evaluated: 2024-12-09. Review status: criteria provided, single submitter. Criteria: ACMG Guidelines, 2015. Collection method: clinical testing. Allele origin: germline.
Comment: The SH2B3 c.1064C>T variant is predicted to result in the amino acid substitution p.Thr355Met. To our knowledge, this variant has not been reported in the literature. This variant is reported in 0.019% of alleles in individuals of European (Non-Finnish) descent in gnomAD. At this time, the clinical significance of this variant is uncertain due to the absence of conclusive functional and genetic evidence.

Ambry Genetics
Classification: Uncertain significance for Inborn genetic diseases. Last evaluated: 2024-11-22. Review status: criteria provided, single submitter. Criteria: Ambry Variant Classification Scheme 2023. Collection method: clinical testing. Allele origin: germline.
Comment: The p.T355M variant (also known as c.1064C>T), located in coding exon 5 of the SH2B3 gene, results from a C to T substitution at nucleotide position 1064. The threonine at codon 355 is replaced by methionine, an amino acid with similar properties. This amino acid position is conserved. In addition, this alteration is predicted to be tolerated by in silico analysis. Based on the available evidence, the clinical significance of this variant remains unclear.

NM_005475.3(SH2B3):c.1064C>T (p.Thr355Met)

Gene: SH2B3 (SH2B adaptor protein 3; plus strand). Cytogenetic location: 12q24.12.
Variant type: single nucleotide variant.
Coding change: c.1064C>T on transcript NM_005475.3 (MANE Select); coding-DNA position 1064, C replaced by T.
Protein change: p.Thr355Met; replaces threonine 355 with methionine.
Molecular consequence: missense variant.
Genome position (GRCh38, 1-based): chr12:111,447,372, C>T. VCF-style: chr12-111447372-C-T. GRCh37 (hg19) VCF-style: chr12-111885176-C-T.
Other names: c.458C>T, p.Thr153Met (NM_001291424.1); short protein forms T355M, T153M.
Identifiers: ClinVar variation 2377564 (VCV002377564.4), dbSNP rs374931521, ClinGen allele CA6789855.